The following is an entry in ClinVar:

ClinVar aggregate classification (germline): Uncertain significance (1 of 4 stars; one submission).

Submission:

Labcorp Genetics (formerly Invitae), Labcorp
Classification: Uncertain significance. Last evaluated: 2025-11-17. Review status: criteria provided, single submitter. Criteria: Invitae Variant Classification Sherloc (09022015). Collection method: clinical testing. Allele origin: germline.
Comment: This sequence change replaces methionine, which is neutral and non-polar, with isoleucine, which is neutral and non-polar, at codon 117 of the PLK4 protein (p.Met117Ile). This variant is not present in population databases (gnomAD no frequency). This variant has not been reported in the literature in individuals affected with PLK4-related conditions. ClinVar contains an entry for this variant (Variation ID: 2119431). An algorithm developed to predict the effect of missense changes on protein structure and function (PolyPhen-2) suggests that this variant is likely to be tolerated. In summary, the available evidence is currently insufficient to determine the role of this variant in disease. Therefore, it has been classified as a Variant of Uncertain Significance.

NM_014264.5(PLK4):c.351G>A (p.Met117Ile)

Gene: PLK4 (polo like kinase 4; plus strand). Cytogenetic location: 4q28.1.
Variant type: single nucleotide variant.
Coding change: c.351G>A on transcript NM_014264.5 (MANE Select); coding-DNA position 351, G replaced by A.
Protein change: p.Met117Ile; replaces methionine 117 with isoleucine.
Molecular consequence: missense variant.
Genome position (GRCh38, 1-based): chr4:127,885,721, G>A. VCF-style: chr4-127885721-G-A. GRCh37 (hg19) VCF-style: chr4-128806876-G-A.
Other names: c.255G>A, p.Met85Ile (NM_001190799.2); c.228G>A, p.Met76Ile (NM_001190801.2); short protein forms M117I, M76I, M85I.
Identifiers: ClinVar variation 2119431 (VCV002119431.4), dbSNP rs1735096101, ClinGen allele CA358168409.
Genomic context (GRCh38, chr4:127,885,721, plus strand): 5'-TTCCAGAGTTTCTAAATTGTAAATTCTCTTTTTTAAAATCCTAACAGCTCGACACTTCAT[G>A]CACCAGATCATCACAGGGATGTTGTATCTTCATTCTCATGGTATACTACACCGGGACCTC-3'
Protein context (NP_055079.3, residues 107-127): PFSENEARHF[Met117Ile]HQIITGMLYL